The following is an entry in ClinVar:

ClinVar aggregate classification (germline): Pathogenic/Likely pathogenic. Review status: criteria provided, multiple submitters, no conflicts (2 of 4 stars). 5 submissions from 4 submitters: Pathogenic (1); Likely pathogenic (4). Last evaluated 2023-05-08.

Conditions:
Hypokalemic periodic paralysis, type 1. Also called: Hypokalemic Periodic Paralysis Type 1 (AD); HypoPP. Identifiers: Orphanet 681, MedGen C3714580, MONDO:0042979, OMIM 170400.
Malignant hyperthermia, susceptibility to, 5 (MHS5). Also called: CACNA1S-Related Malignant Hyperthermia Susceptibility. Identifiers: Orphanet 423, MedGen C1866077, MONDO:0011163, OMIM 601887.

Submissions (5):

MVZ Martinsried, Medicover Genetics
Classification: Likely pathogenic for Hypokalemic periodic paralysis, type 1. Last evaluated: 2023-05-08. Review status: criteria provided, single submitter. Criteria: ACGS Guidelines, 2020. Collection method: clinical testing. Allele origin: unknown, inherited. Affected: yes. Observed: 2 variant alleles.

Genome-Nilou Lab
Classification: Likely pathogenic for Malignant hyperthermia, susceptibility to, 5. Last evaluated: 2023-04-11. Review status: criteria provided, single submitter. Criteria: ACMG Guidelines, 2015. Collection method: clinical testing. Allele origin: germline. Affected: no.

Genome-Nilou Lab
Classification: Likely pathogenic for Hypokalemic periodic paralysis, type 1. Last evaluated: 2023-04-11. Review status: criteria provided, single submitter. Criteria: ACMG Guidelines, 2015. Collection method: clinical testing. Allele origin: germline. Affected: no.

Labcorp Genetics (formerly Invitae), Labcorp
Classification: Pathogenic for Hypokalemic periodic paralysis, type 1; Malignant hyperthermia, susceptibility to, 5. Last evaluated: 2023-03-09. Review status: criteria provided, single submitter. Criteria: Invitae Variant Classification Sherloc (09022015). Collection method: clinical testing. Allele origin: germline.
Comment: This sequence change replaces arginine, which is basic and polar, with threonine, which is neutral and polar, at codon 897 of the CACNA1S protein (p.Arg897Thr). This variant is not present in population databases (gnomAD no frequency). This missense change has been observed in individual(s) with periodic paralysis (Invitae). In at least one individual the variant was observed to be de novo. ClinVar contains an entry for this variant (Variation ID: 692246). Advanced modeling of protein sequence and biophysical properties (such as structural, functional, and spatial information, amino acid conservation, physicochemical variation, residue mobility, and thermodynamic stability) performed at Invitae indicates that this missense variant is expected to disrupt CACNA1S protein function. This variant disrupts the p.Arg897 amino acid residue in CACNA1S. Other variant(s) that disrupt this residue have been determined to be pathogenic (PMID: 18835861, 22901280). This suggests that this residue is clinically significant, and that variants that disrupt this residue are likely to be disease-causing. For these reasons, this variant has been classified as Pathogenic.

CeGaT Center for Human Genetics Tuebingen
Classification: Likely pathogenic. Last evaluated: 2022-12-01. Review status: criteria provided, single submitter. Criteria: CeGaT Center For Human Genetics Tuebingen Variant Classification Criteria Version 2. Collection method: clinical testing. Allele origin: germline. Affected: yes. Observed: 3 variant alleles.
Comment: CACNA1S: PM1, PM2, PM5, PP3, PP4

Literature cited by the submitters: PubMed 18835861 (cited by Labcorp Genetics (formerly Invitae), Labcorp); PubMed 22901280 (cited by Labcorp Genetics (formerly Invitae), Labcorp).

NM_000069.3(CACNA1S):c.2690G>C (p.Arg897Thr)

Gene: CACNA1S (calcium voltage-gated channel subunit alpha1 S; minus strand). Cytogenetic location: 1q32.1.
Variant type: single nucleotide variant.
Coding change: c.2690G>C on transcript NM_000069.3 (MANE Select); coding-DNA position 2690, G replaced by C.
Protein change: p.Arg897Thr; replaces arginine 897 with threonine.
Molecular consequence: missense variant.
Genome position (GRCh38, 1-based): chr1:201,066,284, C>G on the plus strand (G>C on the coding strand, the complement: CACNA1S is on the minus strand). VCF-style: chr1-201066284-C-G. GRCh37 (hg19) VCF-style: chr1-201035412-C-G.
Other names: short protein forms R897T.
Identifiers: ClinVar variation 692246 (VCV000692246.45), dbSNP rs1287079817, ClinGen allele CA344102559.
Genomic context (GRCh38, chr1:201,066,284, plus strand): 5'-CTCACCTTCAACCCCTTGGCTCTGTTGATGGCTCTGAGTGGTCGGAGCACCCTCAGCACC[C>G]TCAGGATCTTCACCACGGAGATGGCACTGGACCTGGGGGGCGGCAATGGTGAGGGGGCTG-3'
Protein context (NP_000060.2, residues 887-907): SSAISVVKIL[Arg897Thr]VLRVLRPLRA